The following is an entry in ClinVar:

ClinVar aggregate classification (germline): Uncertain significance. Review status: criteria provided, multiple submitters, no conflicts (2 of 4 stars). 3 submissions from 3 submitters: Uncertain significance (3). Last evaluated 2026-03-24.

Conditions:
OTOGL-related disorder. Also called: OTOGL-related condition.
Inborn genetic diseases. Identifiers: MedGen C0950123, MeSH D030342.

Allele frequency attached by ClinVar (database versions not stated): gnomAD 0.00001; ExAC 0.00003; gnomAD exomes 0.00003; TOPMed 0.00004.
gnomAD v4.1: 63 of 1,592,990 alleles (0.004%); highest among the groups gnomAD compares: Middle Eastern, 0.017%; no homozygotes.

Submissions (3):

PreventionGenetics, part of Exact Sciences
Classification: Uncertain significance for OTOGL-related condition. Last evaluated: 2026-03-24. Review status: criteria provided, single submitter. Criteria: ACMG Guidelines, 2015. Collection method: clinical testing. Allele origin: germline.
Comment: The OTOGL c.5903G>A variant is predicted to result in the amino acid substitution p.Cys1968Tyr. To our knowledge, this variant has not been reported in the literature. This variant is reported in 0.0097% of alleles in individuals of Latino descent in gnomAD. At this time, the clinical significance of this variant is uncertain due to the absence of conclusive functional and genetic evidence.

Ambry Genetics
Classification: Uncertain significance for Inborn genetic diseases. Last evaluated: 2023-12-14. Review status: criteria provided, single submitter. Criteria: Ambry Variant Classification Scheme 2023. Collection method: clinical testing. Allele origin: germline.

Labcorp Genetics (formerly Invitae), Labcorp
Classification: Uncertain significance. Last evaluated: 2022-03-01. Review status: criteria provided, single submitter. Criteria: Invitae Variant Classification Sherloc (09022015). Collection method: clinical testing. Allele origin: germline.
Comment: This sequence change replaces cysteine, which is neutral and slightly polar, with tyrosine, which is neutral and polar, at codon 1968 of the OTOGL protein (p.Cys1968Tyr). This variant is present in population databases (rs751736301, gnomAD 0.007%). This variant has not been reported in the literature in individuals affected with OTOGL-related conditions. Algorithms developed to predict the effect of missense changes on protein structure and function are either unavailable or do not agree on the potential impact of this missense change (SIFT: "Deleterious"; PolyPhen-2: "Probably Damaging"; Align-GVGD: "Class C0"). In summary, the available evidence is currently insufficient to determine the role of this variant in disease. Therefore, it has been classified as a Variant of Uncertain Significance.

NM_001378609.3(OTOGL):c.5930G>A (p.Cys1977Tyr)

Gene: OTOGL (otogelin like; plus strand). Cytogenetic location: 12q21.31.
Variant type: single nucleotide variant.
Coding change: c.5930G>A on transcript NM_001378609.3 (MANE Select); coding-DNA position 5930, G replaced by A.
Protein change: p.Cys1977Tyr; replaces cysteine 1977 with tyrosine.
Molecular consequence: missense variant.
Genome position (GRCh38, 1-based): chr12:80,356,825, G>A. VCF-style: chr12-80356825-G-A. GRCh37 (hg19) VCF-style: chr12-80750605-G-A.
Other names: c.5903G>A (NM_173591.3); c.5795G>A, p.Cys1932Tyr (NM_001368062.3); c.5930G>A, p.Cys1977Tyr (NM_001378610.3, NM_173591.7); short protein forms C1977Y, C1932Y.
Identifiers: ClinVar variation 1525239 (VCV001525239.5), dbSNP rs751736301, ClinGen allele CA6701865.